The following is an entry in ClinVar:

NM_001377.3(DYNC2H1):c.9157C>T (p.Arg3053Ter)

Gene: DYNC2H1 (dynein cytoplasmic 2 heavy chain 1; plus strand). Cytogenetic location: 11q22.3.
Variant type: single nucleotide variant.
Coding change: c.9157C>T on transcript NM_001377.3 (MANE Select); coding-DNA position 9157, C replaced by T.
Protein change: p.Arg3053Ter; replaces arginine 3053 with a stop codon.
Molecular consequence: nonsense.
Genome position (GRCh38, 1-based): chr11:103,222,079, C>T. VCF-style: chr11-103222079-C-T. GRCh37 (hg19) VCF-style: chr11-103092808-C-T.
Other names: c.9157C>T, p.Arg3053Ter (NM_001080463.2); short protein forms R3053*.
Identifiers: ClinVar variation 1172664 (VCV001172664.3), dbSNP rs1485345396, ClinGen allele CA382264321.

ClinVar aggregate classification (germline): Likely pathogenic. Review status: criteria provided, multiple submitters, no conflicts (2 of 4 stars). 2 submissions from 2 submitters: Likely pathogenic (2). Last evaluated 2024-04-29.

Conditions:
Asphyxiating thoracic dystrophy 3. Also called: Short rib polydactyly syndrome 2B; Saldino-Noonan Syndrome; SHORT-RIB THORACIC DYSPLASIA 3 WITH OR WITHOUT POLYDACTYLY; POLYDACTYLY WITH NEONATAL CHONDRODYSTROPHY, TYPE I; SHORT-RIB THORACIC DYSPLASIA 3/6 WITH POLYDACTYLY, DIGENIC. Identifiers: Orphanet 474, Orphanet 93269, Orphanet 93270, Orphanet 93271, MedGen C0036069, MONDO:0013127, OMIM 613091.
Neonatal respiratory distress. Identifiers: MedGen C4281993, HP:0002643.

Allele frequency attached by ClinVar (database versions not stated): gnomAD exomes below 0.00001; TOPMed below 0.00001.
gnomAD v4.1: 2 of 1,608,152 alleles (0.00012%); highest among the groups gnomAD compares: Non-Finnish European, 0.00017%; no homozygotes.

Submissions (2):

Fulgent Genetics
Classification: Likely pathogenic for Asphyxiating thoracic dystrophy 3. Last evaluated: 2024-04-29. Review status: criteria provided, single submitter. Criteria: ACMG Guidelines, 2015. Collection method: clinical testing. Allele origin: germline.

Equipe Genetique des Anomalies du Developpement, Université de Bourgogne
Classification: Likely pathogenic for Neonatal respiratory distress. Review status: criteria provided, single submitter. Criteria: ACMG Guidelines, 2015. Collection method: clinical testing. Allele origin: paternal. Affected: yes.